The following is an entry in ClinVar:

NM_003376.6(VEGFA):c.735C>T (p.Tyr245=)

Gene: VEGFA (vascular endothelial growth factor A; plus strand). Cytogenetic location: 6p21.1.
Variant type: single nucleotide variant.
Coding change: c.735C>T on transcript NM_003376.6 (MANE Select); coding-DNA position 735, C replaced by T.
Protein change: p.Tyr245=; no amino-acid change (tyrosine 245 retained).
Molecular consequence: synonymous variant.
Genome position (GRCh38, 1-based): chr6:43,777,545, C>T. VCF-style: chr6-43777545-C-T. GRCh37 (hg19) VCF-style: chr6-43745282-C-T.
Other names: c.735C>T, p.Tyr245= (NM_001025366.3, NM_001025367.3, NM_001025368.3 and 5 more transcripts); c.195C>T, p.Tyr65= (NM_001171623.2, NM_001171624.2, NM_001171625.2 and 7 more transcripts); c.111C>T, p.Tyr37= (NM_001287044.2).
Identifiers: ClinVar variation 3355040 (VCV003355040.1).

ClinVar aggregate classification (germline): Likely benign (0 of 4 stars; one submission).

Conditions:
VEGFA-related disorder. Also called: VEGFA-related condition.

gnomAD v4.1: 18 of 1,614,184 alleles (0.0011%); highest among the groups gnomAD compares: Non-Finnish European, 0.0014%; no homozygotes.

Submission:

PreventionGenetics, part of Exact Sciences
Classification: Likely benign for VEGFA-related condition. Last evaluated: 2019-09-17. Review status: no assertion criteria provided. Collection method: clinical testing. Allele origin: germline.
Comment: This variant is classified as likely benign based on ACMG/AMP sequence variant interpretation guidelines (Richards et al. 2015 PMID: 25741868, with internal and published modifications).